The following is an entry in ClinVar:

ClinVar aggregate classification (germline): Likely pathogenic (1 of 4 stars; one submission).

Conditions:
Familial cancer of breast. Also called: BREAST CANCER, FAMILIAL; hereditary breast carcinoma; Hereditary breast cancer. Identifiers: Orphanet 227535, MedGen C0346153, MONDO:0016419, OMIM 114480. Disease mechanism: loss of function.
Fanconi anemia complementation group J. Also called: BRIP1-Related Fanconi Anemia. Identifiers: Orphanet 84, MedGen C1836860, MONDO:0012187, OMIM 609054.

Submission:

Labcorp Genetics (formerly Invitae), Labcorp
Classification: Likely pathogenic for Familial cancer of breast; Fanconi anemia complementation group J. Last evaluated: 2023-07-29. Review status: criteria provided, single submitter. Criteria: Invitae Variant Classification Sherloc (09022015). Collection method: clinical testing. Allele origin: unknown.
Comment: In summary, the currently available evidence indicates that the variant is pathogenic, but additional data are needed to prove that conclusively. Therefore, this variant has been classified as Likely Pathogenic. This variant has not been reported in the literature in individuals affected with BRIP1-related conditions. This variant results in a copy number gain of the genomic region encompassing exon(s) 16 of the BRIP1 gene. While the exact position of this variant cannot be determined from the data, sub-genic copy number gains are generally in tandem (PMID: 25640679). This variant is predicted to be out-of-frame, and may result in an absent or disrupted protein product. Loss-of-function variants in BRIP1 are known to be pathogenic (PMID: 16116423, 17033622, 21964575).

Literature cited by the submitters: PubMed 25640679; PubMed 16116423; PubMed 17033622; PubMed 21964575.

NC_000017.10:g.(?_59820364)_(59820505_?)dup

Gene: BRIP1 (BRCA1 interacting DNA helicase 1; minus strand). Cytogenetic location: 17q23.2.
Variant type: Duplication.
Identifiers: ClinVar variation 3242961 (VCV003242961.1).